The following is an entry in ClinVar:

NM_001278512.2(AP3B2):c.1234C>T (p.Arg412Trp)

Genes: AP3B2 (adaptor related protein complex 3 subunit beta 2; minus strand), CPEB1-AS1 (CPEB1 antisense RNA 1; plus strand). Cytogenetic location: 15q25.2.
Variant type: single nucleotide variant.
Coding change: c.1234C>T on transcript NM_001278512.2 (MANE Select); coding-DNA position 1234, C replaced by T.
Protein change: p.Arg412Trp; replaces arginine 412 with tryptophan.
Molecular consequence: missense variant.
Genome position (GRCh38, 1-based): chr15:82,678,116, G>A on the plus strand (C>T on the coding strand, the complement: AP3B2 is on the minus strand). VCF-style: chr15-82678116-G-A. GRCh37 (hg19) VCF-style: chr15-83346868-G-A.
Other names: c.1138C>T, p.Arg380Trp (NM_001278511.2); c.1234C>T, p.Arg412Trp (NM_004644.5); short protein forms R380W, R412W.
Identifiers: ClinVar variation 1900343 (VCV001900343.3), dbSNP rs759502011, ClinGen allele CA7700278.

ClinVar aggregate classification (germline): Uncertain significance (1 of 4 stars; one submission).

Allele frequency attached by ClinVar (database versions not stated): ExAC 0.00002; gnomAD exomes 0.00002; gnomAD 0.00003; TOPMed 0.00003.
gnomAD v4.1: 38 of 1,613,844 alleles (0.0024%); highest among the groups gnomAD compares: African/African-American, 0.0053%; no homozygotes.

Submission:

Labcorp Genetics (formerly Invitae), Labcorp
Classification: Uncertain significance. Last evaluated: 2024-02-24. Review status: criteria provided, single submitter. Criteria: Invitae Variant Classification Sherloc (09022015). Collection method: clinical testing. Allele origin: germline.
Comment: This sequence change replaces arginine, which is basic and polar, with tryptophan, which is neutral and slightly polar, at codon 412 of the AP3B2 protein (p.Arg412Trp). This variant is present in population databases (rs759502011, gnomAD 0.01%). This variant has not been reported in the literature in individuals affected with AP3B2-related conditions. ClinVar contains an entry for this variant (Variation ID: 1900343). An algorithm developed to predict the effect of missense changes on protein structure and function (PolyPhen-2) suggests that this variant is likely to be disruptive. In summary, the available evidence is currently insufficient to determine the role of this variant in disease. Therefore, it has been classified as a Variant of Uncertain Significance.